The following is an entry in ClinVar:

NM_001379500.1(COL18A1):c.3314G>T (p.Arg1105Leu)

Genes: COL18A1 (collagen type XVIII alpha 1 chain; plus strand), SLC19A1 (solute carrier family 19 member 1; minus strand). Cytogenetic location: 21q22.3.
Variant type: single nucleotide variant.
Coding change: c.3314G>T on transcript NM_001379500.1 (MANE Select); coding-DNA position 3314, G replaced by T.
Protein change: p.Arg1105Leu; replaces arginine 1105 with leucine.
Molecular consequence: missense variant.
Genome position (GRCh38, 1-based): chr21:45,509,420, G>T. VCF-style: chr21-45509420-G-T. GRCh37 (hg19) VCF-style: chr21-46929334-G-T.
Other names: c.3845G>T, p.Arg1282Leu (NM_030582.4); c.4550G>T, p.Arg1517Leu (NM_130444.3); short protein forms R1105L, R1282L, R1517L.
Identifiers: ClinVar variation 1369062 (VCV001369062.6), dbSNP rs374207420, ClinGen allele CA410500725.
Genomic context (GRCh38, chr21:45,509,420, plus strand): 5'-ATGAAGTGGCCGCCTTGCAGCCCCCCGTGGTGCAGCTGCACGACAGCAACCCCTACCCGC[G>T]GCGGGAGCACCCCCACCCCACCGCGCGGCCCTGGCGGGCAGATGACATCCTGGCCAGCCC-3'
Protein context (NP_001366429.1, residues 1095-1115): VQLHDSNPYP[Arg1105Leu]REHPHPTARP

ClinVar aggregate classification (germline): Uncertain significance (1 of 4 stars; one submission).

gnomAD v4.1: 7 of 1,538,636 alleles (0.00045%); highest among the groups gnomAD compares: Non-Finnish European, 0.00061%; no homozygotes.

Submission:

Labcorp Genetics (formerly Invitae), Labcorp
Classification: Uncertain significance. Last evaluated: 2022-12-02. Review status: criteria provided, single submitter. Criteria: Invitae Variant Classification Sherloc (09022015). Collection method: clinical testing. Allele origin: germline.
Comment: ClinVar contains an entry for this variant (Variation ID: 1369062). This sequence change replaces arginine, which is basic and polar, with leucine, which is neutral and non-polar, at codon 1102 of the COL18A1 protein (p.Arg1102Leu). This variant is not present in population databases (gnomAD no frequency). This variant has not been reported in the literature in individuals affected with COL18A1-related conditions. Experimental studies and prediction algorithms are not available or were not evaluated, and the functional significance of this variant is currently unknown. In summary, the available evidence is currently insufficient to determine the role of this variant in disease. Therefore, it has been classified as a Variant of Uncertain Significance.